The following is an entry in ClinVar:

ClinVar aggregate classification (germline): Uncertain significance (1 of 4 stars; one submission).

Submission:

Labcorp Genetics (formerly Invitae), Labcorp
Classification: Uncertain significance. Last evaluated: 2020-11-10. Review status: criteria provided, single submitter. Criteria: Invitae Variant Classification Sherloc (09022015). Collection method: clinical testing. Allele origin: germline.
Comment: In summary, the available evidence is currently insufficient to determine the role of this variant in disease. Therefore, it has been classified as a Variant of Uncertain Significance. This variant has not been reported in the literature in individuals with RNF43-related conditions. This variant is not present in population databases (ExAC no frequency). This sequence change creates a premature translational stop signal (p.Ser687Glnfs*60) in the RNF43 gene. It is expected to result in an absent or disrupted protein product. However, the current clinical and genetic evidence is not sufficient to establish whether loss-of-function variants in RNF43 cause disease.

NM_017763.6(RNF43):c.2058dup (p.Ser687fs)

Gene: RNF43 (ring finger protein 43; minus strand). Cytogenetic location: 17q22.
Variant type: Duplication.
Coding change: c.2058dup on transcript NM_017763.6 (MANE Select); coding-DNA position 2058, one base duplicated (C; older notation c.2058dupC).
Protein change: p.Ser687fs; shifts the reading frame from serine 687.
Molecular consequence: frameshift variant.
Genome position (GRCh38, 1-based): chr17:58,357,718, G duplicated on the plus strand (C on the coding strand, the reverse complement: RNF43 is on the minus strand); the first of 5 consecutive G bases (chr17:58,357,718-58,357,722); duplicating any one gives the same sequence. VCF-style (leftmost placement, unchanged base first): chr17-58357717-T-TG. GRCh37 (hg19) VCF-style: chr17-56435078-T-TG.
Other names: c.2054dup, p.Ser687Glnfs (NM_001305544.3); c.1673dup, p.Ser560Glnfs (NM_001305545.2); short protein forms S687fs, S560fs.
Identifiers: ClinVar variation 1345158 (VCV001345158.6), dbSNP rs2143391611, ClinGen allele CA2573154138.